The following is an entry in ClinVar:

ClinVar aggregate classification (germline): Uncertain significance (1 of 4 stars; one submission).

Submission:

Labcorp Genetics (formerly Invitae), Labcorp
Classification: Uncertain significance. Last evaluated: 2022-03-10. Review status: criteria provided, single submitter. Criteria: Invitae Variant Classification Sherloc (09022015). Collection method: clinical testing. Allele origin: germline.
Comment: This sequence change replaces arginine, which is basic and polar, with glycine, which is neutral and non-polar, at codon 4769 of the USH2A protein (p.Arg4769Gly). This variant is not present in population databases (gnomAD no frequency). This missense change has been observed in individuals with USH2A-related conditions (Invitae). Algorithms developed to predict the effect of missense changes on protein structure and function output the following: SIFT: "Deleterious"; PolyPhen-2: "Possibly Damaging"; Align-GVGD: "Class C0". The glycine amino acid residue is found in multiple mammalian species, which suggests that this missense change does not adversely affect protein function. In summary, the available evidence is currently insufficient to determine the role of this variant in disease. Therefore, it has been classified as a Variant of Uncertain Significance.

NM_206933.4(USH2A):c.14305A>G (p.Arg4769Gly)

Gene: USH2A (usherin; minus strand). Cytogenetic location: 1q41.
Variant type: single nucleotide variant.
Coding change: c.14305A>G on transcript NM_206933.4 (MANE Select); coding-DNA position 14305, A replaced by G.
Protein change: p.Arg4769Gly; replaces arginine 4769 with glycine.
Molecular consequence: missense variant.
Genome position (GRCh38, 1-based): chr1:215,650,630, T>C on the plus strand (A>G on the coding strand, the complement: USH2A is on the minus strand). VCF-style: chr1-215650630-T-C. GRCh37 (hg19) VCF-style: chr1-215823972-T-C.
Other names: short protein forms R4769G.
Identifiers: ClinVar variation 1369154 (VCV001369154.6), dbSNP rs2102644801, ClinGen allele CA344835029.